The following is an entry in ClinVar:

ClinVar aggregate classification (germline): Uncertain significance (1 of 4 stars; one submission).

Allele frequency attached by ClinVar (database versions not stated): gnomAD exomes 0.00001; gnomAD 0.00002; TOPMed 0.00003.
gnomAD v4.1: 9 of 1,404,860 alleles (0.00064%); highest among the groups gnomAD compares: Admixed American, 0.0076%; no homozygotes.

Submission:

Labcorp Genetics (formerly Invitae), Labcorp
Classification: Uncertain significance. Last evaluated: 2025-02-10. Review status: criteria provided, single submitter. Criteria: Invitae Variant Classification Sherloc (09022015). Collection method: clinical testing. Allele origin: germline.
Comment: This sequence change replaces proline, which is neutral and non-polar, with serine, which is neutral and polar, at codon 70 of the FAM20C protein (p.Pro70Ser). The frequency data for this variant in the population databases is considered unreliable, as metrics indicate poor data quality at this position in the gnomAD database. This variant has not been reported in the literature in individuals affected with FAM20C-related conditions. ClinVar contains an entry for this variant (Variation ID: 1405482). An algorithm developed to predict the effect of missense changes on protein structure and function outputs the following: PolyPhen-2: "Benign". The serine amino acid residue is found in multiple mammalian species, which suggests that this missense change does not adversely affect protein function. In summary, the available evidence is currently insufficient to determine the role of this variant in disease. Therefore, it has been classified as a Variant of Uncertain Significance.

NM_020223.4(FAM20C):c.208C>T (p.Pro70Ser)

Gene: FAM20C (FAM20C golgi associated secretory pathway kinase; plus strand). Cytogenetic location: 7p22.3.
Variant type: single nucleotide variant.
Coding change: c.208C>T on transcript NM_020223.4 (MANE Select); coding-DNA position 208, C replaced by T.
Protein change: p.Pro70Ser; replaces proline 70 with serine.
Molecular consequence: missense variant.
Genome position (GRCh38, 1-based): chr7:193,407, C>T. VCF-style: chr7-193407-C-T. GRCh37 (hg19) VCF-style: chr7-193407-C-T.
Other names: short protein forms P70S.
Identifiers: ClinVar variation 1405482 (VCV001405482.7), dbSNP rs999860915, ClinGen allele CA152256682.